The following is an entry in ClinVar:

NM_000038.6(APC):c.4788G>C (p.Gln1596His)

Gene: APC (APC regulator of WNT signaling pathway; plus strand). Cytogenetic location: 5q22.2.
Variant type: single nucleotide variant.
Coding change: c.4788G>C on transcript NM_000038.6 (MANE Select); coding-DNA position 4788, G replaced by C.
Protein change: p.Gln1596His; replaces glutamine 1596 with histidine.
Molecular consequence: missense variant. On other transcripts: non-coding transcript variant (2).
Genome position (GRCh38, 1-based): chr5:112,840,382, G>C. VCF-style: chr5-112840382-G-C. GRCh37 (hg19) VCF-style: chr5-112176079-G-C.
Other names: c.4788G>C, p.Gln1596His (NM_001127510.3, NM_001354895.2, NM_001407450.1); c.4734G>C, p.Gln1578His (NM_001127511.3); c.4842G>C, p.Gln1614His (NM_001354896.2, NM_001407447.1, NM_001407448.1 and 1 more transcripts); c.4818G>C, p.Gln1606His (NM_001354897.2); c.4713G>C, p.Gln1571His (NM_001354898.2); c.4704G>C, p.Gln1568His (NM_001354899.2); c.4665G>C, p.Gln1555His (NM_001354900.2); c.4611G>C, p.Gln1537His (NM_001354901.2, NM_001407453.1); and 11 more; short protein forms Q1212H, Q1313H, Q1436H, Q1467H, Q1470H, Q1495H, Q1505H, Q1513H.
Identifiers: ClinVar variation 3073303 (VCV003073303.1), dbSNP rs2149923778, ClinGen allele CA16031825.

ClinVar aggregate classification (germline): Uncertain significance (1 of 4 stars; one submission).

Conditions:
Classic or attenuated familial adenomatous polyposis. Identifiers: MedGen CN372698, MONDO:0021057.

Submission:

All of Us Research Program, National Institutes of Health
Classification: Uncertain significance for Classic or attenuated familial adenomatous polyposis. Last evaluated: 2023-09-04. Review status: criteria provided, single submitter. Criteria: ACMG Guidelines, 2015. Collection method: clinical testing. Allele origin: germline. Inheritance: Autosomal dominant inheritance. Observed: 1 variant allele, 1 heterozygote.
Comment: This missense variant replaces glutamine with histidine at codon 1596 of the APC protein. Computational prediction suggests that this variant may not impact protein structure and function (internally defined REVEL score threshold <= 0.5, PMID: 27666373). To our knowledge, functional studies have not been reported for this variant. This variant has not been reported in individuals affected with APC-related disorders in the literature. This variant has not been identified in the general population by the Genome Aggregation Database (gnomAD). The available evidence is insufficient to determine the role of this variant in disease conclusively. Therefore, this variant is classified as a Variant of Uncertain Significance.

This study involves interpretation of variants in research participants for the purpose of population health screening. Participant phenotype was not available at the time of variant classification. Additional details can be found in publication PMID: 35346344, PMCID: PMC8962531